The following is an entry in ClinVar:

ClinVar aggregate classification (germline): Uncertain significance (1 of 4 stars; one submission).

Conditions:
Left ventricular noncompaction 8 (LVNC8). Identifiers: Orphanet 154, Orphanet 54260, MedGen C3809288, MONDO:0014152, OMIM 615373.

Allele frequency attached by ClinVar (database versions not stated): gnomAD exomes below 0.00001.
gnomAD v4.1: 1 of 1,612,666 alleles (0.000062%); highest among the groups gnomAD compares: Non-Finnish European, 0.000085%; no homozygotes.

Submission:

Labcorp Genetics (formerly Invitae), Labcorp
Classification: Uncertain significance for Left ventricular noncompaction 8. Last evaluated: 2022-07-05. Review status: criteria provided, single submitter. Criteria: Invitae Variant Classification Sherloc (09022015). Collection method: clinical testing. Allele origin: germline.
Comment: In summary, the available evidence is currently insufficient to determine the role of this variant in disease. Therefore, it has been classified as a Variant of Uncertain Significance. Algorithms developed to predict the effect of missense changes on protein structure and function (SIFT, PolyPhen-2, Align-GVGD) all suggest that this variant is likely to be disruptive. This variant has not been reported in the literature in individuals affected with PRDM16-related conditions. This variant is not present in population databases (gnomAD no frequency). This sequence change replaces proline, which is neutral and non-polar, with serine, which is neutral and polar, at codon 896 of the PRDM16 protein (p.Pro896Ser).

NM_022114.4(PRDM16):c.2686C>T (p.Pro896Ser)

Gene: PRDM16 (PR/SET domain 16; plus strand). Cytogenetic location: 1p36.32.
Variant type: single nucleotide variant.
Coding change: c.2686C>T on transcript NM_022114.4 (MANE Select); coding-DNA position 2686, C replaced by T.
Protein change: p.Pro896Ser; replaces proline 896 with serine.
Molecular consequence: missense variant.
Genome position (GRCh38, 1-based): chr1:3,414,642, C>T. VCF-style: chr1-3414642-C-T. GRCh37 (hg19) VCF-style: chr1-3331206-C-T.
Other names: c.2686C>T, p.Pro896Ser (NM_199454.3); short protein forms P896S.
Identifiers: ClinVar variation 1896966 (VCV001896966.5), dbSNP rs2523896291, ClinGen allele CA338001282.
Genomic context (GRCh38, chr1:3,414,642, plus strand): 5'-ACAGACCCCGTGGGAGCCCTGAAGGAGAAGTACCTGCGGCCGTCCCCGCTGCTCTTCCAC[C>T]CCCAGGTACGTCCTCAGTGCAGGTCAGGGCGCCCTGTAACCCACACGCCAGTGGCCCCAT-3'
Protein context (NP_071397.3, residues 886-906): YLRPSPLLFH[Pro896Ser]QMSAIETMTE